The following is an entry in ClinVar:

NM_032608.7(MYO18B):c.439G>A (p.Gly147Ser)

Gene: MYO18B (myosin XVIIIB; plus strand). Cytogenetic location: 22q12.1.
Variant type: single nucleotide variant.
Coding change: c.439G>A on transcript NM_032608.7 (MANE Select); coding-DNA position 439, G replaced by A.
Protein change: p.Gly147Ser; replaces glycine 147 with serine.
Molecular consequence: missense variant.
Genome position (GRCh38, 1-based): chr22:25,768,355, G>A. VCF-style: chr22-25768355-G-A. GRCh37 (hg19) VCF-style: chr22-26164322-G-A.
Other names: c.439G>A, p.Gly147Ser (NM_001318245.2); short protein forms G147S.
Identifiers: ClinVar variation 1469914 (VCV001469914.6), dbSNP rs2086581828, ClinGen allele CA411001582.

ClinVar aggregate classification (germline): Uncertain significance (1 of 4 stars; one submission).

Allele frequency attached by ClinVar (database versions not stated): gnomAD 0.00001.
gnomAD v4.1: 3 of 1,613,724 alleles (0.00019%); highest among the groups gnomAD compares: Non-Finnish European, 0.00025%; no homozygotes.

Submission:

Labcorp Genetics (formerly Invitae), Labcorp
Classification: Uncertain significance. Last evaluated: 2021-08-03. Review status: criteria provided, single submitter. Criteria: Invitae Variant Classification Sherloc (09022015). Collection method: clinical testing. Allele origin: germline.
Comment: This variant is not present in population databases (ExAC no frequency). This sequence change replaces glycine with serine at codon 147 of the MYO18B protein (p.Gly147Ser). The glycine residue is weakly conserved and there is a small physicochemical difference between glycine and serine. This variant has not been reported in the literature in individuals affected with MYO18B-related conditions. Algorithms developed to predict the effect of missense changes on protein structure and function are either unavailable or do not agree on the potential impact of this missense change (SIFT: "Not Available"; PolyPhen-2: "Benign"; Align-GVGD: "Not Available"). In summary, the available evidence is currently insufficient to determine the role of this variant in disease. Therefore, it has been classified as a Variant of Uncertain Significance.